The following is an entry in ClinVar:

ClinVar aggregate classification (germline): Uncertain significance (1 of 4 stars; one submission).

Conditions:
LEPR-related disorder. Also called: LEPR-related disorders; LEPR-related condition.

gnomAD v4.1: 3 of 1,606,496 alleles (0.00019%); highest among the groups gnomAD compares: South Asian, 0.0033%; 1 homozygote.

Submission:

PreventionGenetics, part of Exact Sciences
Classification: Uncertain significance for LEPR-related condition. Last evaluated: 2026-05-08. Review status: criteria provided, single submitter. Criteria: ACMG Guidelines, 2015. Collection method: clinical testing. Allele origin: germline.
Comment: The LEPR c.3371T>C variant is predicted to result in the amino acid substitution p.Val1124Ala. To our knowledge, this variant has not been reported in the literature. This variant is reported in 0.0034% of alleles in individuals of South Asian descent in gnomAD. At this time, the clinical significance of this variant is uncertain due to the absence of conclusive functional and genetic evidence.

NM_002303.6(LEPR):c.3371T>C (p.Val1124Ala)

Gene: LEPR (leptin receptor; plus strand). Cytogenetic location: 1p31.3.
Variant type: single nucleotide variant.
Coding change: c.3371T>C on transcript NM_002303.6 (MANE Select); coding-DNA position 3371, T replaced by C.
Protein change: p.Val1124Ala; replaces valine 1124 with alanine.
Molecular consequence: missense variant.
Genome position (GRCh38, 1-based): chr1:65,636,888, T>C. VCF-style: chr1-65636888-T-C. GRCh37 (hg19) VCF-style: chr1-66102571-T-C.
Other names: short protein forms V1124A.
Identifiers: ClinVar variation 4980536 (VCV004980536.1).